The following is an entry in ClinVar:

ClinVar aggregate classification (germline): Uncertain significance. Review status: criteria provided, multiple submitters, no conflicts (2 of 4 stars). 7 submissions from 7 submitters: Uncertain significance (7). Last evaluated 2024-12-03.

Conditions:
Inborn genetic diseases. Identifiers: MedGen C0950123, MeSH D030342.
Cortical dysplasia-focal epilepsy syndrome (PTHSL1). Also called: Pitt-Hopkins-like syndrome 1. Identifiers: Orphanet 163681, Orphanet 221150, MedGen C2750246, MONDO:0012400, OMIM 610042.
Autism, susceptibility to, 15. Also called: Autism susceptibility 15. Identifiers: MedGen C2677504, MONDO:0012801, OMIM 612100.

Allele frequency attached by ClinVar (database versions not stated): ESP Exome Variant Server 0.00008; TOPMed 0.00008.
gnomAD v4.1: 71 of 1,614,084 alleles (0.0044%); highest among the groups gnomAD compares: Admixed American, 0.02%; no homozygotes.

Submissions (7):

Labcorp Genetics (formerly Invitae), Labcorp
Classification: Uncertain significance for Cortical dysplasia-focal epilepsy syndrome. Last evaluated: 2024-12-03. Review status: criteria provided, single submitter. Criteria: Invitae Variant Classification Sherloc (09022015). Collection method: clinical testing. Allele origin: germline.
Comment: This sequence change replaces arginine, which is basic and polar, with cysteine, which is neutral and slightly polar, at codon 1288 of the CNTNAP2 protein (p.Arg1288Cys). This variant is present in population databases (rs138661307, gnomAD 0.03%). This missense change has been observed in individual(s) with CNTNAP2-related conditions (PMID: 31875159). ClinVar contains an entry for this variant (Variation ID: 536313). An algorithm developed to predict the effect of missense changes on protein structure and function (PolyPhen-2) suggests that this variant¬†is likely to be tolerated. In summary, the available evidence is currently insufficient to determine the role of this variant in disease. Therefore, it has been classified as a Variant of Uncertain Significance.

CeGaT Center for Human Genetics Tuebingen
Classification: Uncertain significance. Last evaluated: 2024-12-01. Review status: criteria provided, single submitter. Criteria: CeGaT Center For Human Genetics Tuebingen Variant Classification Criteria Version 2. Collection method: clinical testing. Allele origin: germline. Affected: yes. Observed: 1 variant allele.
Comment: CNTNAP2: PM2

Blueprint Genetics
Classification: Uncertain significance. Last evaluated: 2024-11-08. Review status: criteria provided, single submitter. Criteria: ACMG Guidelines, 2015. Collection method: clinical testing. Allele origin: germline.

GeneDx
Classification: Uncertain significance. Last evaluated: 2024-01-20. Review status: criteria provided, single submitter. Criteria: GeneDx Variant Classification Process June 2021. Collection method: clinical testing. Allele origin: germline. Affected: yes.
Comment: Reported as a single heterozygous variant in an individual with epilepsy and cerebellar atrophy and in an individual with autism from a large cohort in published literature (PMID: 31875159, 35982159, 35982160); In silico analysis supports that this missense variant has a deleterious effect on protein structure/function; This variant is associated with the following publications: (PMID: 35982160, 31875159, 35982159)

Fulgent Genetics
Classification: Uncertain significance for Cortical dysplasia-focal epilepsy syndrome; Autism, susceptibility to, 15. Last evaluated: 2022-04-15. Review status: criteria provided, single submitter. Criteria: ACMG Guidelines, 2015. Collection method: clinical testing. Allele origin: unknown.

Baylor Genetics
Classification: Uncertain significance for Cortical dysplasia-focal epilepsy syndrome. Last evaluated: 2019-07-03. Review status: criteria provided, single submitter. Criteria: ACMG Guidelines, 2015. Collection method: clinical testing. Allele origin: unknown. Affected: yes.
Comment: This variant was determined to be of uncertain significance according to ACMG Guidelines, 2015 [PMID:25741868].

Ambry Genetics
Classification: Uncertain significance for Inborn genetic diseases. Last evaluated: 2017-09-20. Review status: criteria provided, single submitter. Criteria: Ambry Variant Classification Scheme 2023. Collection method: clinical testing. Allele origin: germline.
Comment: The p.R1288C variant (also known as c.3862C>T), located in coding exon 24 of the CNTNAP2 gene, results from a C to T substitution at nucleotide position 3862. The arginine at codon 1288 is replaced by cysteine, an amino acid with highly dissimilar properties. This amino acid position is highly conserved in available vertebrate species. In addition, the in silico prediction for this alteration is inconclusive. Since supporting evidence is limited at this time, the clinical significance of this alteration remains unclear.

Literature cited by the submitters: PubMed 31875159 (cited by Labcorp Genetics (formerly Invitae), Labcorp).

NM_014141.6(CNTNAP2):c.3862C>T (p.Arg1288Cys)

Gene: CNTNAP2 (contactin associated protein 2; plus strand). Cytogenetic location: 7q36.1.
Variant type: single nucleotide variant.
Coding change: c.3862C>T on transcript NM_014141.6 (MANE Select); coding-DNA position 3862, C replaced by T.
Protein change: p.Arg1288Cys; replaces arginine 1288 with cysteine.
Molecular consequence: missense variant.
Genome position (GRCh38, 1-based): chr7:148,415,482, C>T. VCF-style: chr7-148415482-C-T. GRCh37 (hg19) VCF-style: chr7-148112574-C-T.
Other names: short protein forms R1288C.
Identifiers: ClinVar variation 536313 (VCV000536313.29), dbSNP rs138661307, ClinGen allele CA4546827.
Genomic context (GRCh38, chr7:148,415,482, plus strand): 5'-ATTGCTGTGGTGATTTTCACCATCCTGTGCACCCTGGTCTTCCTGATCCGGTACATGTTC[C>T]GCCACAAGGGCACCTACCATACCAACGAAGCAAAGGGGGCGGAGTCGGCAGAGAGCGCGG-3'
Protein context (NP_054860.1, residues 1278-1298): TLVFLIRYMF[Arg1288Cys]HKGTYHTNEA